The following is an entry in ClinVar:

NM_014425.5(INVS):c.727T>C (p.Tyr243His)

Gene: INVS (inversin; plus strand). Cytogenetic location: 9q31.1.
Variant type: single nucleotide variant.
Coding change: c.727T>C on transcript NM_014425.5 (MANE Select); coding-DNA position 727, T replaced by C.
Protein change: p.Tyr243His; replaces tyrosine 243 with histidine.
Molecular consequence: missense variant. On other transcripts: 5 prime UTR variant (1), non-coding transcript variant (1).
Genome position (GRCh38, 1-based): chr9:100,240,171, T>C. VCF-style: chr9-100240171-T-C. GRCh37 (hg19) VCF-style: chr9-103002453-T-C.
Other names: c.439T>C, p.Tyr147His (NM_001318381.2); c.-263T>C (NM_001318382.2); short protein forms Y147H, Y243H.
Identifiers: ClinVar variation 941246 (VCV000941246.7), dbSNP rs1206942379, ClinGen allele CA374361698.
Genomic context (GRCh38, chr9:100,240,171, plus strand): 5'-ACTCCTCTTCACTTTGCAGTTGCTGATGGGAATGTGACCGTGGTTGATGTCTTGACCTCA[T>C]ATGAAAGCTGCAATATAACGTCTTATGATAACTTATTTCGAACCCCACTGCACTGGGCAG-3'
Protein context (NP_055240.2, residues 233-253): NVTVVDVLTS[Tyr243His]ESCNITSYDN

ClinVar aggregate classification (germline): Uncertain significance (1 of 4 stars; one submission).

Conditions:
Nephronophthisis. Also called: Juvenile Nephronophthisis. Identifiers: Orphanet 655, MedGen C0687120, MONDO:0019005, HP:0000090.

Allele frequency attached by ClinVar (database versions not stated): gnomAD exomes 0.00001; TOPMed 0.00001; gnomAD 0.00001.
gnomAD v4.1: 6 of 1,613,842 alleles (0.00037%); highest among the groups gnomAD compares: East Asian, 0.0045%; no homozygotes.

Submission:

Labcorp Genetics (formerly Invitae), Labcorp
Classification: Uncertain significance for Nephronophthisis. Last evaluated: 2021-08-31. Review status: criteria provided, single submitter. Criteria: Invitae Variant Classification Sherloc (09022015). Collection method: clinical testing. Allele origin: germline.
Comment: This sequence change replaces tyrosine with histidine at codon 243 of the INVS protein (p.Tyr243His). The tyrosine residue is highly conserved and there is a moderate physicochemical difference between tyrosine and histidine. This variant is not present in population databases (ExAC no frequency). This variant has not been reported in the literature in individuals affected with INVS-related conditions. Algorithms developed to predict the effect of missense changes on protein structure and function (SIFT, PolyPhen-2, Align-GVGD) all suggest that this variant is likely to be disruptive. In summary, the available evidence is currently insufficient to determine the role of this variant in disease. Therefore, it has been classified as a Variant of Uncertain Significance.